The following is an entry in ClinVar:

NM_001085411.3(NADK2):c.345T>A (p.His115Gln)

Gene: NADK2 (NAD kinase 2, mitochondrial; minus strand). Cytogenetic location: 5p13.2.
Variant type: single nucleotide variant.
Coding change: c.345T>A on transcript NM_001085411.3 (MANE Select); coding-DNA position 345, T replaced by A.
Protein change: p.His115Gln; replaces histidine 115 with glutamine.
Molecular consequence: missense variant. On other transcripts: 5 prime UTR variant (3).
Genome position (GRCh38, 1-based): chr5:36,227,521, A>T on the plus strand (T>A on the coding strand, the complement: NADK2 is on the minus strand). VCF-style: chr5-36227521-A-T. GRCh37 (hg19) VCF-style: chr5-36227623-A-T.
Other names: c.-145T>A (NM_001287340.2, NM_001287341.2, NM_153013.5); short protein forms H115Q.
Identifiers: ClinVar variation 4691325 (VCV004691325.1).

ClinVar aggregate classification (germline): Uncertain significance (1 of 4 stars; one submission).

Conditions:
Progressive encephalopathy with leukodystrophy due to DECR deficiency. Identifiers: Orphanet 431361, MedGen C1857252, MONDO:0014464, OMIM 616034.

gnomAD v4.1: 11 of 1,559,334 alleles (0.00071%); highest among the groups gnomAD compares: Non-Finnish European, 0.00095%; no homozygotes.

Submission:

Labcorp Genetics (formerly Invitae), Labcorp
Classification: Uncertain significance for Progressive encephalopathy with leukodystrophy due to DECR deficiency. Last evaluated: 2025-07-02. Review status: criteria provided, single submitter. Criteria: Invitae Variant Classification Sherloc (09022015). Collection method: clinical testing. Allele origin: germline.
Comment: This sequence change replaces histidine, which is basic and polar, with glutamine, which is neutral and polar, at codon 115 of the NADK2 protein (p.His115Gln). The frequency data for this variant in the population databases is considered unreliable, as metrics indicate poor data quality at this position in the gnomAD database. This variant has not been reported in the literature in individuals affected with NADK2-related conditions. Invitae Evidence Modeling of protein sequence and biophysical properties (such as structural, functional, and spatial information, amino acid conservation, physicochemical variation, residue mobility, and thermodynamic stability) has been performed for this missense variant. However, the output from this modeling did not meet the statistical confidence thresholds required to predict the impact of this variant on NADK2 protein function. In summary, the available evidence is currently insufficient to determine the role of this variant in disease. Therefore, it has been classified as a Variant of Uncertain Significance.